The following is an entry in ClinVar:

NM_002430.3(MN1):c.1599A>G (p.Gln533=)

Gene: MN1 (MN1 proto-oncogene, transcriptional regulator; minus strand). Cytogenetic location: 22q12.1.
Variant type: single nucleotide variant.
Coding change: c.1599A>G on transcript NM_002430.3 (MANE Select); coding-DNA position 1599, A replaced by G.
Protein change: p.Gln533=; no amino-acid change (glutamine 533 retained).
Molecular consequence: synonymous variant.
Genome position (GRCh38, 1-based): chr22:27,798,945, T>C on the plus strand (A>G on the coding strand, the complement: MN1 is on the minus strand). VCF-style: chr22-27798945-T-C. GRCh37 (hg19) VCF-style: chr22-28194933-T-C.
Identifiers: ClinVar variation 1706789 (VCV001706789.2), dbSNP rs45480998, ClinGen allele CA10166386.

ClinVar aggregate classification (germline): Likely benign (1 of 4 stars; one submission).

Allele frequency attached by ClinVar (database versions not stated): ESP Exome Variant Server 0.00128; ExAC 0.00297; gnomAD 0.01026; 1000 Genomes Project 0.01957.

Submission:

GeneDx
Classification: Likely benign. Last evaluated: 2021-05-04. Review status: criteria provided, single submitter. Criteria: GeneDx Variant Classification Process June 2021. Collection method: clinical testing. Allele origin: germline. Affected: yes.
Comment: See Variant Classification Assertion Criteria.